The following is an entry in ClinVar:

NM_019616.4(F7):c.848T>C (p.Leu283Pro)

Gene: F7 (coagulation factor VII; plus strand). Cytogenetic location: 13q34.
Variant type: single nucleotide variant.
Coding change: c.848T>C on transcript NM_019616.4 (MANE Select); coding-DNA position 848, T replaced by C.
Protein change: p.Leu283Pro; replaces leucine 283 with proline.
Molecular consequence: missense variant. On other transcripts: non-coding transcript variant (1).
Genome position (GRCh38, 1-based): chr13:113,118,521, T>C. VCF-style: chr13-113118521-T-C. GRCh37 (hg19) VCF-style: chr13-113772835-T-C.
Other names: c.914T>C, p.Leu305Pro (NM_000131.5); c.662T>C, p.Leu221Pro (NM_001267554.2); short protein forms L221P, L283P, L305P.
Identifiers: ClinVar variation 4293066 (VCV004293066.1).

ClinVar aggregate classification (germline): Uncertain significance (1 of 4 stars; one submission).

Conditions:
Congenital factor VII deficiency. Identifiers: Orphanet 327, MedGen C0272320, MONDO:0009211, OMIM 227500.

Submission:

3billion
Classification: Uncertain significance for Congenital factor VII deficiency. Last evaluated: 2024-08-30. Review status: criteria provided, single submitter. Criteria: ACMG Guidelines, 2015. Collection method: clinical testing. Allele origin: germline. Affected: yes.
Comment: The variant is not observed in the gnomAD v4.0.0 dataset. Predicted Consequence/Location: Missense variant In silico tool predictions suggest damaging effect of the variant on gene or gene product [REVEL: 0.83 (>=0.6, sensitivity 0.68 and specificity 0.92); 3Cnet: 0.92 (>=0.6, sensitivity 0.72 and precision 0.9)]. Therefore, this variant is classified as VUS according to the recommendation of ACMG/AMP guideline.